The following is an entry in ClinVar:

NM_006979.3(SLC39A7):c.199A>G (p.Thr67Ala)

Gene: SLC39A7 (solute carrier family 39 member 7; plus strand). Cytogenetic location: 6p21.32.
Variant type: single nucleotide variant.
Coding change: c.199A>G on transcript NM_006979.3 (MANE Select); coding-DNA position 199, A replaced by G.
Protein change: p.Thr67Ala; replaces threonine 67 with alanine.
Molecular consequence: missense variant. On other transcripts: intron variant (1).
Genome position (GRCh38, 1-based): chr6:33,201,444, A>G. VCF-style: chr6-33201444-A-G. GRCh37 (hg19) VCF-style: chr6-33169221-A-G.
Other names: c.199A>G, p.Thr67Ala (NM_001077516.2); c.52+56A>G (NM_001288777.2); c.199A>G (NM_006979.2); short protein forms T67A.
Identifiers: ClinVar variation 1431049 (VCV001431049.6), dbSNP rs201750693, ClinGen allele CA3752215.

ClinVar aggregate classification (germline): Uncertain significance. Review status: criteria provided, multiple submitters, no conflicts (2 of 4 stars). 2 submissions from 2 submitters: Uncertain significance (2). Last evaluated 2022-07-25.

Allele frequency attached by ClinVar (database versions not stated): gnomAD 0.00001 and 0.00005; TOPMed 0.00002; gnomAD exomes 0.00005; ExAC 0.00007; ESP Exome Variant Server 0.00016; 1000 Genomes Project 30x 0.00031; 1000 Genomes Project 0.00040.

Submissions (2):

Labcorp Genetics (formerly Invitae), Labcorp
Classification: Uncertain significance. Last evaluated: 2022-07-25. Review status: criteria provided, single submitter. Criteria: Invitae Variant Classification Sherloc (09022015). Collection method: clinical testing. Allele origin: germline.
Comment: This sequence change replaces threonine, which is neutral and polar, with alanine, which is neutral and non-polar, at codon 67 of the SLC39A7 protein (p.Thr67Ala). This variant is present in population databases (rs201750693, gnomAD 0.02%), including at least one homozygous and/or hemizygous individual. This variant has not been reported in the literature in individuals affected with SLC39A7-related conditions. ClinVar contains an entry for this variant (Variation ID: 1431049). Algorithms developed to predict the effect of missense changes on protein structure and function are either unavailable or do not agree on the potential impact of this missense change (SIFT: "Tolerated"; PolyPhen-2: "Not Available"; Align-GVGD: "Class C0"). In summary, the available evidence is currently insufficient to determine the role of this variant in disease. Therefore, it has been classified as a Variant of Uncertain Significance.

Ambry Genetics
Classification: Uncertain significance. Last evaluated: 2021-11-08. Review status: criteria provided, single submitter. Criteria: Ambry Variant Classification Scheme 2023. Collection method: clinical testing. Allele origin: germline.